The following is an entry in ClinVar:

ClinVar aggregate classification (germline): Uncertain significance (1 of 4 stars; one submission).

Submission:

Labcorp Genetics (formerly Invitae), Labcorp
Classification: Uncertain significance. Last evaluated: 2021-10-13. Review status: criteria provided, single submitter. Criteria: Invitae Variant Classification Sherloc (09022015). Collection method: clinical testing. Allele origin: germline.
Comment: This sequence change replaces leucine with proline at codon 1000 of the TTLL5 protein (p.Leu1000Pro). The leucine residue is weakly conserved and there is a moderate physicochemical difference between leucine and proline. This variant is not present in population databases (ExAC no frequency). This variant has not been reported in the literature in individuals affected with TTLL5-related conditions. Algorithms developed to predict the effect of missense changes on protein structure and function output the following: SIFT: "Tolerated"; PolyPhen-2: "Benign"; Align-GVGD: "Class C0". The proline amino acid residue is found in multiple mammalian species, which suggests that this missense change does not adversely affect protein function. In summary, the available evidence is currently insufficient to determine the role of this variant in disease. Therefore, it has been classified as a Variant of Uncertain Significance.

NM_015072.5(TTLL5):c.2999T>C (p.Leu1000Pro)

Gene: TTLL5 (tubulin tyrosine ligase like 5; plus strand). Cytogenetic location: 14q24.3.
Variant type: single nucleotide variant.
Coding change: c.2999T>C on transcript NM_015072.5 (MANE Select); coding-DNA position 2999, T replaced by C.
Protein change: p.Leu1000Pro; replaces leucine 1000 with proline.
Molecular consequence: missense variant.
Genome position (GRCh38, 1-based): chr14:75,792,928, T>C. VCF-style: chr14-75792928-T-C. GRCh37 (hg19) VCF-style: chr14-76259271-T-C.
Other names: short protein forms L1000P.
Identifiers: ClinVar variation 1420670 (VCV001420670.6), dbSNP rs2140351914, ClinGen allele CA390473138.